The following is an entry in ClinVar:

NM_004168.4(SDHA):c.1798C>G (p.Arg600Gly)

Gene: SDHA (succinate dehydrogenase complex flavoprotein subunit A; plus strand). Cytogenetic location: 5p15.33.
Variant type: single nucleotide variant.
Coding change: c.1798C>G on transcript NM_004168.4 (MANE Select); coding-DNA position 1798, C replaced by G.
Protein change: p.Arg600Gly; replaces arginine 600 with glycine.
Molecular consequence: missense variant.
Genome position (GRCh38, 1-based): chr5:254,396, C>G. VCF-style: chr5-254396-C-G. GRCh37 (hg19) VCF-style: chr5-254511-C-G.
Other names: c.1654C>G, p.Arg552Gly (NM_001294332.2); c.1555C>G, p.Arg519Gly (NM_001330758.2); short protein forms R552G, R519G, R600G.
Identifiers: ClinVar variation 2567082 (VCV002567082.2), dbSNP rs878854630, ClinGen allele CA359001613.
Genomic context (GRCh38, chr5:254,396, plus strand): 5'-TTTTTCTGTATTGCTCTGTTAGAGTAATAAGAAACGTGATGGTGTTTCTGGCCTCAGGTG[C>G]GGATTGATGAGTACGATTACTCCAAGCCCATCCAGGGGCAACAGAAGAAGCCCTTTGAGG-3'
Protein context (NP_004159.2, residues 590-610): GAHAREDYKV[Arg600Gly]IDEYDYSKPI

ClinVar aggregate classification (germline): Uncertain significance (1 of 4 stars; one submission).

Conditions:
Hereditary cancer-predisposing syndrome. Also called: Hereditary neoplastic syndrome; Hereditary Cancer Syndrome; Neoplastic Syndromes, Hereditary; Tumor predisposition. Identifiers: Orphanet 140162, MedGen C0027672, MeSH D009386, MONDO:0015356.

Submission:

Ambry Genetics
Classification: Uncertain significance for Hereditary cancer-predisposing syndrome. Last evaluated: 2023-03-17. Review status: criteria provided, single submitter. Criteria: Ambry Variant Classification Scheme 2023. Collection method: clinical testing. Allele origin: germline.
Comment: The p.R600G variant (also known as c.1798C>G), located in coding exon 14 of the SDHA gene, results from a C to G substitution at nucleotide position 1798. The arginine at codon 600 is replaced by glycine, an amino acid with dissimilar properties. This amino acid position is conserved. In addition, this alteration is predicted to be tolerated by in silico analysis. Since supporting evidence is limited at this time, the clinical significance of this alteration remains unclear.